The following is an entry in ClinVar:

NM_001130987.2(DYSF):c.4894A>G (p.Lys1632Glu)

Gene: DYSF (dysferlin; plus strand). Cytogenetic location: 2p13.2.
Variant type: single nucleotide variant.
Coding change: c.4894A>G on transcript NM_001130987.2 (MANE Select); coding-DNA position 4894, A replaced by G.
Protein change: p.Lys1632Glu; replaces lysine 1632 with glutamic acid.
Molecular consequence: missense variant.
Genome position (GRCh38, 1-based): chr2:71,659,016, A>G. VCF-style: chr2-71659016-A-G. GRCh37 (hg19) VCF-style: chr2-71886146-A-G.
Other names: c.4870A>G, p.Lys1624Glu (NM_001130979.2); c.4828A>G, p.Lys1610Glu (NM_001130980.2); c.4891A>G, p.Lys1631Glu (NM_001130981.2); c.4873A>G, p.Lys1625Glu (NM_001130982.2); c.4843A>G, p.Lys1615Glu (NM_001130983.2); c.4801A>G, p.Lys1601Glu (NM_001130984.2); c.4831A>G, p.Lys1611Glu (NM_001130985.2); c.4738A>G, p.Lys1580Glu (NM_001130986.2); and 5 more; short protein forms K1579E, K1580E, K1593E, K1594E, K1600E, K1601E, K1610E, K1611E.
Identifiers: ClinVar variation 1715219 (VCV001715219.5), dbSNP rs2546495047, ClinGen allele CA347219882.
Genomic context (GRCh38, chr2:71,659,016, plus strand): 5'-CAGGGACCCCAGGAGTGCTTGGTCCGTATCTACATTGTCCGAGCATTTGGCCTGCAGCCC[A>G]AGGACCCCAATGGAAAGGTAACTTTCCTAGAGCCCTCACCTCCCCCAGAGTAGCAGGCTC-3'
Protein context (NP_001124459.1, residues 1622-1642): YIVRAFGLQP[Lys1632Glu]DPNGKCDPYI

ClinVar aggregate classification (germline): Uncertain significance (1 of 4 stars; one submission).

Conditions:
Neuromuscular disease caused by qualitative or quantitative defects of dysferlin. Also called: Qualitative or quantitative defects of dysferlin; Dysferlinopathy. Identifiers: Orphanet 207073, MedGen C2931687, MONDO:0016145.

Submission:

Labcorp Genetics (formerly Invitae), Labcorp
Classification: Uncertain significance for Neuromuscular disease caused by qualitative or quantitative defects of dysferlin. Last evaluated: 2022-09-27. Review status: criteria provided, single submitter. Criteria: Invitae Variant Classification Sherloc (09022015). Collection method: clinical testing. Allele origin: germline.
Comment: In summary, the available evidence is currently insufficient to determine the role of this variant in disease. Therefore, it has been classified as a Variant of Uncertain Significance. Advanced modeling of protein sequence and biophysical properties (such as structural, functional, and spatial information, amino acid conservation, physicochemical variation, residue mobility, and thermodynamic stability) has been performed at Invitae for this missense variant, however the output from this modeling did not meet the statistical confidence thresholds required to predict the impact of this variant on DYSF protein function. This variant has not been reported in the literature in individuals affected with DYSF-related conditions. This variant is not present in population databases (gnomAD no frequency). This sequence change replaces lysine, which is basic and polar, with glutamic acid, which is acidic and polar, at codon 1593 of the DYSF protein (p.Lys1593Glu).